The following is an entry in ClinVar:

NM_002519.3(NPAT):c.3677C>A (p.Ala1226Asp)

Gene: NPAT (nuclear protein, coactivator of histone transcription; minus strand). Cytogenetic location: 11q22.3.
Variant type: single nucleotide variant.
Coding change: c.3677C>A on transcript NM_002519.3 (MANE Select); coding-DNA position 3677, C replaced by A.
Protein change: p.Ala1226Asp; replaces alanine 1226 with aspartic acid.
Molecular consequence: missense variant.
Genome position (GRCh38, 1-based): chr11:108,161,409, G>T on the plus strand (C>A on the coding strand, the complement: NPAT is on the minus strand). VCF-style: chr11-108161409-G-T. GRCh37 (hg19) VCF-style: chr11-108032136-G-T.
Other names: c.3698C>A, p.Ala1233Asp (NM_001321307.1); short protein forms A1226D, A1233D.
Identifiers: ClinVar variation 2453806 (VCV002453806.2), dbSNP rs2496695084, ClinGen allele CA382510291.
Genomic context (GRCh38, chr11:108,161,409, plus strand): 5'-ATTTCTGTGGTAATCAAAGAACTGGCGGATTTAGTTTGTTCTTGTTTTAGATCCTTCACA[G>T]CTGTACCTACTGAAAGTACATTTTTATTGTTTGAAGATGTGCCTTGTTTTTTGGTCATTT-3'
Protein context (NP_002510.2, residues 1216-1236): NNKNVLSVGT[Ala1226Asp]VKDLKQEQTK

ClinVar aggregate classification (germline): Uncertain significance (1 of 4 stars; one submission).

Submission:

Ambry Genetics
Classification: Uncertain significance. Last evaluated: 2023-02-27. Review status: criteria provided, single submitter. Criteria: Ambry Variant Classification Scheme 2023. Collection method: clinical testing. Allele origin: germline.
Comment: The p.A1226D variant (also known as c.3677C>A), located in coding exon 17 of the NPAT gene, results from a C to A substitution at nucleotide position 3677. The alanine at codon 1226 is replaced by aspartic acid, an amino acid with dissimilar properties. This amino acid position is conserved. In addition, this alteration is predicted to be tolerated by in silico analysis. Since supporting evidence is limited at this time, the clinical significance of this alteration remains unclear.